The following is an entry in ClinVar:

ClinVar aggregate classification (germline): Uncertain significance (1 of 4 stars; one submission).

Conditions:
GLUD1-related disorder. Also called: GLUD1-related condition.

Allele frequency attached by ClinVar (database versions not stated): gnomAD 0.00001; gnomAD exomes 0.00001; TOPMed 0.00001.
gnomAD v4.1: 12 of 1,613,496 alleles (0.00074%); highest among the groups gnomAD compares: African/African-American, 0.0013%; no homozygotes.

Submission:

PreventionGenetics, part of Exact Sciences
Classification: Uncertain significance for GLUD1-related condition. Last evaluated: 2023-08-08. Review status: criteria provided, single submitter. Criteria: ACMG Guidelines, 2015. Collection method: clinical testing. Allele origin: germline.
Comment: The GLUD1 c.692G>A variant is predicted to result in the amino acid substitution p.Arg231Gln. To our knowledge, this variant has not been reported in the literature. This variant is reported in 0.0018% of alleles in individuals of European (Non-Finnish) descent in gnomAD. At this time, the clinical significance of this variant is uncertain due to the absence of conclusive functional and genetic evidence.

NM_005271.5(GLUD1):c.692G>A (p.Arg231Gln)

Gene: GLUD1 (glutamate dehydrogenase 1; minus strand). Cytogenetic location: 10q23.2.
Variant type: single nucleotide variant.
Coding change: c.692G>A on transcript NM_005271.5 (MANE Select); coding-DNA position 692, G replaced by A.
Protein change: p.Arg231Gln; replaces arginine 231 with glutamine.
Molecular consequence: missense variant.
Genome position (GRCh38, 1-based): chr10:87,068,112, C>T on the plus strand (G>A on the coding strand, the complement: GLUD1 is on the minus strand). VCF-style: chr10-87068112-C-T. GRCh37 (hg19) VCF-style: chr10-88827869-C-T.
Other names: c.293G>A, p.Arg98Gln (NM_001318900.1); c.191G>A, p.Arg64Gln (NM_001318901.1, NM_001318902.1, NM_001318904.2 and 2 more transcripts); short protein forms R231Q, R64Q, R98Q.
Identifiers: ClinVar variation 2631428 (VCV002631428.1), dbSNP rs1268364072, ClinGen allele CA377471514.